The following is an entry in ClinVar:

ClinVar aggregate classification (germline): Likely pathogenic (1 of 4 stars; one submission).

Conditions:
Intellectual disability. Also called: Intellectual functioning disability; intellectual disabilities; Intellectual developmental disorder. Identifiers: MedGen C3714756, MeSH D008607, MONDO:0001071, HP:0001249.

Submission:

Dubai Health Genomic Medicine Center, Dubai Health
Classification: Likely pathogenic for Intellectual developmental disorder. Last evaluated: 2024-10-04. Review status: criteria provided, single submitter. Criteria: ACMG Guidelines, 2015. Collection method: research. Allele origin: germline. Affected: yes.
Comment: PM3(moderate),PM2,PP3,PP1

NM_002578.5(PAK3):c.1279T>C (p.Tyr427His)

Gene: PAK3 (p21 (RAC1) activated kinase 3; plus strand). Cytogenetic location: Xq23.
Variant type: single nucleotide variant.
Coding change: c.1279T>C on transcript NM_002578.5 (MANE Select); coding-DNA position 1279, T replaced by C.
Protein change: p.Tyr427His; replaces tyrosine 427 with histidine.
Molecular consequence: missense variant. On other transcripts: non-coding transcript variant (2).
Genome position (GRCh38, 1-based): chrX:111,196,512, T>C. VCF-style: chrX-111196512-T-C. GRCh37 (hg19) VCF-style: chrX-110439740-T-C.
Other names: c.1279T>C, p.Tyr427His (NM_001128166.3, NM_001128167.3, NM_001324325.2 and 5 more transcripts); c.1387T>C, p.Tyr463His (NM_001128168.3); c.1342T>C, p.Tyr448His (NM_001128172.2); c.1324T>C, p.Tyr442His (NM_001128173.3, NM_001324327.2, NM_001324328.2 and 2 more transcripts); short protein forms Y427H, Y442H, Y448H, Y463H.
Identifiers: ClinVar variation 3384071 (VCV003384071.1).